The following is an entry in ClinVar:

NM_001330078.2(NRXN1):c.3844A>G (p.Ile1282Val)

Gene: NRXN1 (neurexin 1; minus strand). Cytogenetic location: 2p16.3.
Variant type: single nucleotide variant.
Coding change: c.3844A>G on transcript NM_001330078.2 (MANE Select); coding-DNA position 3844, A replaced by G.
Protein change: p.Ile1282Val; replaces isoleucine 1282 with valine.
Molecular consequence: missense variant.
Genome position (GRCh38, 1-based): chr2:50,053,555, T>C on the plus strand (A>G on the coding strand, the complement: NRXN1 is on the minus strand). VCF-style: chr2-50053555-T-C. GRCh37 (hg19) VCF-style: chr2-50280693-T-C.
Other names: c.3964A>G, p.Ile1322Val (NM_001135659.3); c.3820A>G, p.Ile1274Val (NM_001330077.2, NM_001330082.2); c.3688A>G, p.Ile1230Val (NM_001330083.2); c.3778A>G, p.Ile1260Val (NM_001330084.2); c.3817A>G, p.Ile1273Val (NM_001330085.2); c.3844A>G, p.Ile1282Val (NM_001330086.2); c.3643A>G, p.Ile1215Val (NM_001330087.2, NM_001330096.2); c.3673A>G, p.Ile1225Val (NM_001330088.2); and 6 more; short protein forms I1260V, I1274V, I1235V, I1281V, I1215V, I1225V, I1230V, I1273V.
Identifiers: ClinVar variation 2790706 (VCV002790706.3), dbSNP rs535678119, ClinGen allele CA47835538.

ClinVar aggregate classification (germline): Uncertain significance (1 of 4 stars; one submission).

Conditions:
Pitt-Hopkins-like syndrome 2 (PTHSL2). Identifiers: Orphanet 221150, Orphanet 600663, MedGen C3280479, MONDO:0013690, OMIM 614325.

Allele frequency attached by ClinVar (database versions not stated): gnomAD exomes below 0.00001.
gnomAD v4.1: 3 of 1,614,034 alleles (0.00019%); highest among the groups gnomAD compares: South Asian, 0.0022%; no homozygotes.

Submission:

Labcorp Genetics (formerly Invitae), Labcorp
Classification: Uncertain significance for Pitt-Hopkins-like syndrome 2. Last evaluated: 2025-01-19. Review status: criteria provided, single submitter. Criteria: Invitae Variant Classification Sherloc (09022015). Collection method: clinical testing. Allele origin: germline.
Comment: This sequence change replaces isoleucine, which is neutral and non-polar, with valine, which is neutral and non-polar, at codon 1322 of the NRXN1 protein (p.Ile1322Val). This variant is not present in population databases (gnomAD no frequency). This variant has not been reported in the literature in individuals affected with NRXN1-related conditions. ClinVar contains an entry for this variant (Variation ID: 2790706). Invitae Evidence Modeling of protein sequence and biophysical properties (such as structural, functional, and spatial information, amino acid conservation, physicochemical variation, residue mobility, and thermodynamic stability) indicates that this missense variant is not expected to disrupt NRXN1 protein function with a negative predictive value of 80%. In summary, the available evidence is currently insufficient to determine the role of this variant in disease. Therefore, it has been classified as a Variant of Uncertain Significance.